The following is an entry in ClinVar:

ClinVar aggregate classification (germline): Likely benign. Review status: criteria provided, multiple submitters, no conflicts (2 of 4 stars). 3 submissions from 3 submitters: Likely benign (3). Last evaluated 2025-09-08.

Conditions:
Dilated cardiomyopathy 1O (CMD1O). Also called: CARDIOMYOPATHY, DILATED, WITH VENTRICULAR TACHYCARDIA. Identifiers: Orphanet 154, MedGen C1837839, MONDO:0012062, OMIM 608569.

Allele frequency attached by ClinVar (database versions not stated): ExAC 0.00003; gnomAD 0.00003 and 0.00002; gnomAD exomes 0.00001 and 0.00002; TOPMed 0.00002.
gnomAD v4.1: 19 of 1,611,096 alleles (0.0012%); highest among the groups gnomAD compares: South Asian, 0.0077%; no homozygotes.

Submissions (3):

Labcorp Genetics (formerly Invitae), Labcorp
Classification: Likely benign for Dilated cardiomyopathy 1O. Last evaluated: 2025-09-08. Review status: criteria provided, single submitter. Criteria: Invitae Variant Classification Sherloc (09022015). Collection method: clinical testing. Allele origin: germline.

Blueprint Genetics
Classification: Likely benign. Last evaluated: 2023-01-16. Review status: criteria provided, single submitter. Criteria: ACMG Guidelines, 2015. Collection method: clinical testing. Allele origin: germline.

GeneDx
Classification: Likely benign. Last evaluated: 2017-01-19. Review status: criteria provided, single submitter. Criteria: GeneDx Variant Classification (06012015). Collection method: clinical testing. Allele origin: germline. Affected: yes.
Comment: This variant is considered likely benign or benign based on one or more of the following criteria: it is a conservative change, it occurs at a poorly conserved position in the protein, it is predicted to be benign by multiple in silico algorithms, and/or has population frequency not consistent with disease.

NM_020297.4(ABCC9):c.816+10C>T

Gene: ABCC9 (ATP binding cassette subfamily C member 9; minus strand). Cytogenetic location: 12p12.1.
Variant type: single nucleotide variant.
Coding change: c.816+10C>T on transcript NM_020297.4 (MANE Select); 10 bases into the intron after coding-DNA position 816, C replaced by T.
Molecular consequence: intron variant.
Genome position (GRCh38, 1-based): chr12:21,915,658, G>A on the plus strand (C>T on the coding strand, the complement: ABCC9 is on the minus strand). VCF-style: chr12-21915658-G-A. GRCh37 (hg19) VCF-style: chr12-22068592-G-A.
Other names: c.-48-2592C>T (NM_001377274.1); c.816+10C>T (NM_005691.4, NM_001377273.1).
Identifiers: ClinVar variation 506994 (VCV000506994.10), dbSNP rs559193279, ClinGen allele CA6481817.
Genomic context (GRCh38, chr12:21,915,658, plus strand): 5'-TGCCTCCCAGGTTCATGCCAACAGGACCATTCTCTGTAATTAAGCACATGGAAGACAGAC[G>A]CTAAATCACCTTTTGTTCTTCATATGCATCTTTCAGGCAAACATAATTTGTTACTGCTCT-3'